The following is an entry in ClinVar:

ClinVar aggregate classification (germline): Uncertain significance. Review status: criteria provided, multiple submitters, no conflicts (2 of 4 stars). 3 submissions from 3 submitters: Uncertain significance (2). 1 of the submissions does not count toward it. Last evaluated 2024-08-13.

Conditions:
Wilson disease (WND). Also called: Wilson's disease. Identifiers: Orphanet 905, MedGen C0019202, MONDO:0010200, OMIM 277900. Disease mechanism: loss of function.

Allele frequency attached by ClinVar (database versions not stated): gnomAD below 0.00001 and 0.00001; TOPMed below 0.00001; gnomAD exomes 0.00002 and 0.00004; ExAC 0.00005.
gnomAD v4.1: 24 of 1,614,050 alleles (0.0015%); highest among the groups gnomAD compares: South Asian, 0.025%; no homozygotes.

Submissions (3):

All of Us Research Program, National Institutes of Health
Classification: Uncertain significance for Wilson disease. Last evaluated: 2024-08-13. Review status: criteria provided, single submitter. Criteria: ACMG Guidelines, 2015. Collection method: clinical testing. Allele origin: germline. Inheritance: Autosomal recessive inheritance. Observed: 1 variant allele, 1 heterozygote.
Comment: This missense variant replaces methionine with threonine at codon 931 of the ATP7B protein. Computational prediction is inconclusive regarding the impact of this variant on protein structure and function (internally defined REVEL score threshold 0.5 < inconclusive < 0.7, PMID: 27666373). To our knowledge, functional studies have not been reported for this variant. This variant has not been reported in individuals affected with Wilson disease in the literature. This variant has been identified in 10/249346 chromosomes in the general population by the Genome Aggregation Database (gnomAD). The available evidence is insufficient to determine the role of this variant in disease conclusively. Therefore, this variant is classified as a Variant of Uncertain Significance.

This study involves interpretation of variants in research participants for the purpose of population health screening. Participant phenotype was not available at the time of variant classification. Additional details can be found in publication PMID: 35346344, PMCID: PMC8962531

Labcorp Genetics (formerly Invitae), Labcorp
Classification: Uncertain significance for Wilson disease. Last evaluated: 2022-09-27. Review status: criteria provided, single submitter. Criteria: Invitae Variant Classification Sherloc (09022015). Collection method: clinical testing. Allele origin: germline.
Comment: This sequence change replaces methionine, which is neutral and non-polar, with threonine, which is neutral and polar, at codon 931 of the ATP7B protein (p.Met931Thr). This variant is present in population databases (rs762875224, gnomAD 0.03%). This variant has not been reported in the literature in individuals affected with ATP7B-related conditions. ClinVar contains an entry for this variant (Variation ID: 941284). Advanced modeling of protein sequence and biophysical properties (such as structural, functional, and spatial information, amino acid conservation, physicochemical variation, residue mobility, and thermodynamic stability) performed at Invitae indicates that this missense variant is not expected to disrupt ATP7B protein function. In summary, the available evidence is currently insufficient to determine the role of this variant in disease. Therefore, it has been classified as a Variant of Uncertain Significance.

Natera, Inc.
Classification: Uncertain significance for Wilson disease. Last evaluated: 2020-08-19. Review status: no assertion criteria provided. Collection method: clinical testing. Allele origin: germline. Not counted in ClinVar's aggregate classification.

NM_000053.4(ATP7B):c.2792T>C (p.Met931Thr)

Gene: ATP7B (ATPase copper transporting beta; minus strand). Cytogenetic location: 13q14.3.
Variant type: single nucleotide variant.
Coding change: c.2792T>C on transcript NM_000053.4 (MANE Select); coding-DNA position 2792, T replaced by C.
Protein change: p.Met931Thr; replaces methionine 931 with threonine.
Molecular consequence: missense variant. On other transcripts: intron variant (1).
Genome position (GRCh38, 1-based): chr13:51,949,735, A>G on the plus strand (T>C on the coding strand, the complement: ATP7B is on the minus strand). VCF-style: chr13-51949735-A-G. GRCh37 (hg19) VCF-style: chr13-52523871-A-G.
Other names: c.2459T>C, p.Met820Thr (NM_001243182.2); c.2558T>C, p.Met853Thr (NM_001330578.2); c.2540T>C, p.Met847Thr (NM_001330579.2); c.2244+272T>C (NM_001005918.3); short protein forms M847T, M853T, M820T, M931T.
Identifiers: ClinVar variation 941284 (VCV000941284.9), dbSNP rs762875224, ClinGen allele CA6988908.